The following is an entry in ClinVar:

ClinVar aggregate classification (germline): Uncertain significance (1 of 4 stars; one submission).

gnomAD v4.1: 15 of 152,352 alleles (0.0098%); highest among the groups gnomAD compares: African/African-American, 0.026%; no homozygotes.

Submission:

Institute for Human Genetics, University Hospital Essen
Classification: Uncertain significance. Last evaluated: 2025-11-27. Review status: criteria provided, single submitter. Criteria: Submitter's publication. Collection method: clinical testing. Allele origin: inherited. Inheritance: Autosomal unknown. Affected: yes. Observed: 1 variant allele, 1 compound heterozygote.
Comment: PM1_supp, PM3 (criteria rationale detailed in Leitão et al. Nature Genetics 2026)

NR_199791.1(RNU2-2):n.175G>A

Genes: RNU2-2 (RNA, U2 small nuclear 2; minus strand), WDR74 (WD repeat domain 74; minus strand). Cytogenetic location: 11q12.3.
Variant type: single nucleotide variant.
Molecular consequence: non-coding transcript variant (on NR_199791.1). On other transcripts: 5 prime UTR variant (1).
Genome position: GRCh38 VCF-style: chr11-62841635-C-T. GRCh37 (hg19) VCF-style: chr11-62609107-C-T.
Other names: c.-364G>A (NM_001369451.1).
Identifiers: ClinVar variation 4540540 (VCV004540540.1).
Genomic context (GRCh38, chr11:62,841,635, plus strand): 5'-TGATCGAAATCTTCCATTAAACAACGGTTGTTCTCTCCCCGAAGGGAGAGTGCACCGTTC[C>T]TGGAAGTACTGCAATACCAGGTCGATGCGTGGAGTGGACGGAGCAAGCTCCTATTCCATC-3'